The following is an entry in ClinVar:

ClinVar aggregate classification (germline): Uncertain significance (1 of 4 stars; one submission).

Conditions:
Multiple acyl-CoA dehydrogenase deficiency (MADD). Also called: Glutaric aciduria, type 2; Glutaric acidemia type II; GA 2; Glutaric Acidemia type 2; ETHYLMALONIC-ADIPICACIDURIA; GA II. Identifiers: Orphanet 26791, MedGen C0268596, MONDO:0009282, OMIM 231680.

Allele frequency attached by ClinVar (database versions not stated): gnomAD exomes below 0.00001; TOPMed below 0.00001.
gnomAD v4.1: 1 of 1,613,636 alleles (0.000062%); highest among the groups gnomAD compares: Non-Finnish European, 0.000085%; no homozygotes.

Submission:

Labcorp Genetics (formerly Invitae), Labcorp
Classification: Uncertain significance for Multiple acyl-CoA dehydrogenase deficiency. Last evaluated: 2022-03-28. Review status: criteria provided, single submitter. Criteria: Invitae Variant Classification Sherloc (09022015). Collection method: clinical testing. Allele origin: germline.
Comment: This sequence change replaces valine, which is neutral and non-polar, with isoleucine, which is neutral and non-polar, at codon 55 of the ETFA protein (p.Val55Ile). This variant is not present in population databases (gnomAD no frequency). This variant has not been reported in the literature in individuals affected with ETFA-related conditions. Algorithms developed to predict the effect of missense changes on protein structure and function output the following: SIFT: "Tolerated"; PolyPhen-2: "Benign"; Align-GVGD: "Class C0". The isoleucine amino acid residue is found in multiple mammalian species, which suggests that this missense change does not adversely affect protein function. In summary, the available evidence is currently insufficient to determine the role of this variant in disease. Therefore, it has been classified as a Variant of Uncertain Significance.

NM_000126.4(ETFA):c.163G>A (p.Val55Ile)

Gene: ETFA (electron transfer flavoprotein subunit alpha; minus strand). Cytogenetic location: 15q24.2.
Variant type: single nucleotide variant.
Coding change: c.163G>A on transcript NM_000126.4 (MANE Select); coding-DNA position 163, G replaced by A.
Protein change: p.Val55Ile; replaces valine 55 with isoleucine.
Molecular consequence: missense variant. On other transcripts: intron variant (1).
Genome position (GRCh38, 1-based): chr15:76,295,614, C>T on the plus strand (G>A on the coding strand, the complement: ETFA is on the minus strand). VCF-style: chr15-76295614-C-T. GRCh37 (hg19) VCF-style: chr15-76587955-C-T.
Other names: c.40-2914G>A (NM_001127716.2); short protein forms V55I.
Identifiers: ClinVar variation 1497501 (VCV001497501.3), dbSNP rs1035217923, ClinGen allele CA273700332.